The following is an entry in ClinVar:

NM_003072.5(SMARCA4):c.4483C>T (p.Pro1495Ser)

Gene: SMARCA4 (SWI/SNF related BAF chromatin remodeling complex subunit ATPase 4; plus strand). Cytogenetic location: 19p13.2.
Variant type: single nucleotide variant.
Coding change: c.4483C>T on transcript NM_003072.5 (MANE Select); coding-DNA position 4483, C replaced by T.
Protein change: p.Pro1495Ser; replaces proline 1495 with serine.
Molecular consequence: missense variant. On other transcripts: non-coding transcript variant (1).
Genome position (GRCh38, 1-based): chr19:11,058,313, C>T. VCF-style: chr19-11058313-C-T. GRCh37 (hg19) VCF-style: chr19-11168989-C-T.
Other names: c.4483C>T, p.Pro1495Ser (NM_001128844.3); c.4393C>T, p.Pro1465Ser (NM_001128845.2); c.4390C>T, p.Pro1464Ser (NM_001128846.2); c.4384C>T, p.Pro1462Ser (NM_001128847.4, NM_001374457.1); c.4381C>T, p.Pro1461Ser (NM_001128848.2); c.4579C>T, p.Pro1527Ser (NM_001128849.3, NM_001387283.1); c.4480C>T, p.Pro1494Ser (NM_001411150.1); c.4579C>T (NM_001128849.1); short protein forms P1464S, P1494S, P1462S, P1465S, P1527S, P1461S, P1495S.
Identifiers: ClinVar variation 2709072 (VCV002709072.4), dbSNP rs2147086844, ClinGen allele CA404077629.

ClinVar aggregate classification (germline): Uncertain significance. Review status: criteria provided, multiple submitters, no conflicts (2 of 4 stars). 2 submissions from 2 submitters: Uncertain significance (2). Last evaluated 2024-03-22.

Conditions:
Hereditary cancer-predisposing syndrome. Also called: Neoplastic Syndromes, Hereditary; Tumor predisposition; Hereditary Cancer Syndrome; Hereditary neoplastic syndrome. Identifiers: Orphanet 140162, MedGen C0027672, MeSH D009386, MONDO:0015356.
Rhabdoid tumor predisposition syndrome 2 (RTPS2). Identifiers: Orphanet 231108, Orphanet 69077, MedGen C2750074, MONDO:0013224, OMIM 613325.

Submissions (2):

Ambry Genetics
Classification: Uncertain significance for Hereditary cancer-predisposing syndrome. Last evaluated: 2024-03-22. Review status: criteria provided, single submitter. Criteria: Ambry Variant Classification Scheme 2023. Collection method: clinical testing. Allele origin: germline.
Comment: The p.P1527S variant (also known as c.4579C>T), located in coding exon 31 of the SMARCA4 gene, results from a C to T substitution at nucleotide position 4579. The proline at codon 1527 is replaced by serine, an amino acid with similar properties. This amino acid position is highly conserved in available vertebrate species. In addition, the in silico prediction for this alteration is inconclusive. Based on the available evidence, the clinical significance of this alteration remains unclear.

Labcorp Genetics (formerly Invitae), Labcorp
Classification: Uncertain significance for Rhabdoid tumor predisposition syndrome 2. Last evaluated: 2023-06-10. Review status: criteria provided, single submitter. Criteria: Invitae Variant Classification Sherloc (09022015). Collection method: clinical testing. Allele origin: germline.
Comment: In summary, the available evidence is currently insufficient to determine the role of this variant in disease. Therefore, it has been classified as a Variant of Uncertain Significance. Advanced modeling of protein sequence and biophysical properties (such as structural, functional, and spatial information, amino acid conservation, physicochemical variation, residue mobility, and thermodynamic stability) has been performed at Invitae for this missense variant, however the output from this modeling did not meet the statistical confidence thresholds required to predict the impact of this variant on SMARCA4 protein function. This variant has not been reported in the literature in individuals affected with SMARCA4-related conditions. This variant is not present in population databases (gnomAD no frequency). This sequence change replaces proline, which is neutral and non-polar, with serine, which is neutral and polar, at codon 1527 of the SMARCA4 protein (p.Pro1527Ser).